The following is an entry in ClinVar:

NM_001162501.2(TNRC6B):c.4583-2A>G

Gene: TNRC6B (trinucleotide repeat containing adaptor 6B; plus strand). Cytogenetic location: 22q13.1.
Variant type: single nucleotide variant.
Coding change: c.4583-2A>G on transcript NM_001162501.2 (MANE Select); the canonical splice acceptor site of the intron before coding-DNA position 4583, A replaced by G.
Molecular consequence: splice acceptor variant.
Genome position (GRCh38, 1-based): chr22:40,312,900, A>G. VCF-style: chr22-40312900-A-G. GRCh37 (hg19) VCF-style: chr22-40708904-A-G.
Other names: c.2171-2A>G (NM_001024843.2); c.4253-2A>G (NM_015088.3).
Identifiers: ClinVar variation 985913 (VCV000985913.5), dbSNP rs2071205689, ClinGen allele CA411667772.
Genomic context (GRCh38, chr22:40,312,900, plus strand): 5'-GGTTTCACTGGTTATACTGACATTTATCTTCAGTATTTTCTTCTTGTTCTTTGTTACCCA[A>G]GGGTCTAATTCTTCCCTCAACACCTCGCTGCCTTCACCTGGTGCCTGGCCCTACAGTGCC-3'

ClinVar aggregate classification (germline): Likely pathogenic (1 of 4 stars; one submission).

Conditions:
Inborn genetic diseases. Identifiers: MedGen C0950123, MeSH D030342.

Allele frequency attached by ClinVar (database versions not stated): gnomAD exomes below 0.00001.
gnomAD v4.1: 1 of 1,613,066 alleles (0.000062%); highest among the groups gnomAD compares: Non-Finnish European, 0.000085%; no homozygotes.

Submission:

Ambry Genetics
Classification: Likely pathogenic for Inborn genetic diseases. Last evaluated: 2021-01-15. Review status: criteria provided, single submitter. Criteria: Ambry Variant Classification Scheme 2023. Collection method: clinical testing. Allele origin: germline.
Comment: The c.4583-2A>G intronic variant results from an A to G substitution two nucleotides before exon 19 (coding exon 19) of the TNRC6B gene. Alterations that disrupt the canonical splice acceptor site are typically deleterious in nature (Richards, 2015). Alterations that disrupt the canonical splice site are expected to result in aberrant splicing, resulting in an abnormal protein or a transcript that is subject to nonsense-mediated mRNA decay. Based on data from the Genome Aggregation Database (gnomAD), the TNRC6B c.4583-2A>G alteration was not observed, with coverage at this position. The c.4583-2A nucleotide is conserved in available vertebrate species. In silico splice site analysis predicts that this alteration will weaken the native splice acceptor site and will result in the creation or strengthening of a novel splice acceptor site. Based on the available evidence, this alteration is classified as likely pathogenic.